The following is an entry in ClinVar:

NM_018706.7(DHTKD1):c.252G>C (p.Glu84Asp)

Gene: DHTKD1 (dehydrogenase E1 and transketolase domain containing 1; plus strand). Cytogenetic location: 10p14.
Variant type: single nucleotide variant.
Coding change: c.252G>C on transcript NM_018706.7 (MANE Select); coding-DNA position 252, G replaced by C.
Protein change: p.Glu84Asp; replaces glutamic acid 84 with aspartic acid.
Molecular consequence: missense variant.
Genome position (GRCh38, 1-based): chr10:12,081,569, G>C. VCF-style: chr10-12081569-G-C. GRCh37 (hg19) VCF-style: chr10-12123568-G-C.
Other names: c.252G>C (NM_018706.5); short protein forms E84D.
Identifiers: ClinVar variation 2726635 (VCV002726635.4), dbSNP rs930925223, ClinGen allele CA202579579.
Genomic context (GRCh38, chr10:12,081,569, plus strand): 5'-TGAGCATGGTCATAAAGCTGCCAAAATCAACCCCCTCTTCACCGGACAAGCCCTGCTGGA[G>C]AATGTGCCTGAAATCCAAGCCCTGGTGCAGACACTGCAGGGACCCTTCCACACGGCAGGT-3'
Protein context (NP_061176.4, residues 74-94): NPLFTGQALL[Glu84Asp]NVPEIQALVQ

ClinVar aggregate classification (germline): Uncertain significance. Review status: criteria provided, multiple submitters, no conflicts (2 of 4 stars). 2 submissions from 2 submitters: Uncertain significance (2). Last evaluated 2024-07-30.

Conditions:
2-aminoadipic 2-oxoadipic aciduria (AAKAD). Also called: ALPHA-AMINOADIPIC AND ALPHA-KETOADIPIC ACIDURIA; Aminoadipic aciduria. Identifiers: Orphanet 79154, MedGen C1859817, MONDO:0008774, OMIM 204750.
Inborn genetic diseases. Identifiers: MedGen C0950123, MeSH D030342.

Allele frequency attached by ClinVar (database versions not stated): gnomAD 0.00001; TOPMed 0.00002.
gnomAD v4.1: 2 of 1,614,072 alleles (0.00012%); highest among the groups gnomAD compares: Non-Finnish European, 0.00017%; no homozygotes.

Submissions (2):

Ambry Genetics
Classification: Uncertain significance for Inborn genetic diseases. Last evaluated: 2024-07-30. Review status: criteria provided, single submitter. Criteria: Ambry Variant Classification Scheme 2023. Collection method: clinical testing. Allele origin: germline.

Labcorp Genetics (formerly Invitae), Labcorp
Classification: Uncertain significance for 2-aminoadipic 2-oxoadipic aciduria. Last evaluated: 2023-12-21. Review status: criteria provided, single submitter. Criteria: Invitae Variant Classification Sherloc (09022015). Collection method: clinical testing. Allele origin: germline.
Comment: This sequence change replaces glutamic acid, which is acidic and polar, with aspartic acid, which is acidic and polar, at codon 84 of the DHTKD1 protein (p.Glu84Asp). This variant is not present in population databases (gnomAD no frequency). This variant has not been reported in the literature in individuals affected with DHTKD1-related conditions. Advanced modeling of protein sequence and biophysical properties (such as structural, functional, and spatial information, amino acid conservation, physicochemical variation, residue mobility, and thermodynamic stability) performed at Invitae indicates that this missense variant is not expected to disrupt DHTKD1 protein function with a negative predictive value of 80%. In summary, the available evidence is currently insufficient to determine the role of this variant in disease. Therefore, it has been classified as a Variant of Uncertain Significance.